The following is an entry in ClinVar:

NM_001128.6(AP1G1):c.289C>G (p.Gln97Glu)

Gene: AP1G1 (adaptor related protein complex 1 subunit gamma 1; minus strand). Cytogenetic location: 16q22.2.
Variant type: single nucleotide variant.
Coding change: c.289C>G on transcript NM_001128.6 (MANE Select); coding-DNA position 289, C replaced by G.
Protein change: p.Gln97Glu; replaces glutamine 97 with glutamic acid.
Molecular consequence: missense variant.
Genome position (GRCh38, 1-based): chr16:71,774,505, G>C on the plus strand (C>G on the coding strand, the complement: AP1G1 is on the minus strand). VCF-style: chr16-71774505-G-C. GRCh37 (hg19) VCF-style: chr16-71808408-G-C.
Other names: c.289C>G, p.Gln97Glu (NM_001030007.2); short protein forms Q97E.
Identifiers: ClinVar variation 4976119 (VCV004976119.1).

ClinVar aggregate classification (germline): Uncertain significance (1 of 4 stars; one submission).

Submission:

GeneDx
Classification: Uncertain significance. Last evaluated: 2026-02-03. Review status: criteria provided, single submitter. Criteria: GeneDx Variant Classification Process June 2021. Collection method: clinical testing. Allele origin: germline.
Comment: Not observed at significant frequency in large population cohorts (gnomAD); In silico analysis suggests that this missense variant does not alter protein structure/function; Has not been previously published as pathogenic or benign to our knowledge